The following is an entry in ClinVar:

NM_001143768.2(ZNF438):c.2409C>T (p.Asp803=)

Gene: ZNF438 (zinc finger protein 438; minus strand). Cytogenetic location: 10p11.23.
Variant type: single nucleotide variant.
Coding change: c.2409C>T on transcript NM_001143768.2 (MANE Select); coding-DNA position 2409, C replaced by T.
Protein change: p.Asp803=; no amino-acid change (aspartic acid 803 retained).
Molecular consequence: synonymous variant. On other transcripts: non-coding transcript variant (3).
Genome position (GRCh38, 1-based): chr10:30,845,039, G>A on the plus strand (C>T on the coding strand, the complement: ZNF438 is on the minus strand). VCF-style: chr10-30845039-G-A. GRCh37 (hg19) VCF-style: chr10-31133968-G-A.
Other names: c.2409C>T, p.Asp803= (NM_001387411.1, NM_001387412.1, NM_182755.3 and 3 more transcripts); c.2379C>T, p.Asp793= (NM_001143770.2, NM_001143771.2); c.2262C>T, p.Asp754= (NM_001143769.2).
Identifiers: ClinVar variation 2640395 (VCV002640395.24), dbSNP rs775639913, ClinGen allele CA5460749.

ClinVar aggregate classification (germline): Likely benign (1 of 4 stars; one submission).

Allele frequency attached by ClinVar (database versions not stated): gnomAD exomes below 0.00001; ExAC 0.00001.
gnomAD v4.1: 2 of 1,614,138 alleles (0.00012%); highest among the groups gnomAD compares: South Asian, 0.0011%; no homozygotes.

Submission:

CeGaT Center for Human Genetics Tuebingen
Classification: Likely benign. Last evaluated: 2022-10-01. Review status: criteria provided, single submitter. Criteria: CeGaT Center For Human Genetics Tuebingen Variant Classification Criteria Version 2. Collection method: clinical testing. Allele origin: germline. Affected: yes. Observed: 1 variant allele.
Comment: ZNF438: BP4, BP7